The following is an entry in ClinVar:

NM_000222.3(KIT):c.1335A>T (p.Gly445=)

Gene: KIT (KIT proto-oncogene, receptor tyrosine kinase; plus strand). Cytogenetic location: 4q12.
Variant type: single nucleotide variant.
Coding change: c.1335A>T on transcript NM_000222.3 (MANE Select); coding-DNA position 1335, A replaced by T.
Protein change: p.Gly445=; no amino-acid change (glycine 445 retained).
Molecular consequence: synonymous variant.
Genome position (GRCh38, 1-based): chr4:54,723,687, A>T. VCF-style: chr4-54723687-A-T. GRCh37 (hg19) VCF-style: chr4-55589853-A-T.
Other names: c.1335A>T, p.Gly445= (NM_001093772.2, NM_001385285.1, NM_001385286.1); c.1338A>T, p.Gly446= (NM_001385284.1, NM_001385288.1, NM_001385290.1 and 1 more transcripts).
Identifiers: ClinVar variation 4043763 (VCV004043763.1).

ClinVar aggregate classification (germline): Uncertain significance (1 of 4 stars; one submission).

Conditions:
Hereditary cancer-predisposing syndrome. Also called: Neoplastic Syndromes, Hereditary; Tumor predisposition; Hereditary neoplastic syndrome; Hereditary Cancer Syndrome. Identifiers: Orphanet 140162, MedGen C0027672, MeSH D009386, MONDO:0015356.

gnomAD v4.1: 2 of 1,605,468 alleles (0.00012%); highest among the groups gnomAD compares: Admixed American, 0.0033%; no homozygotes.

Submission:

Ambry Genetics
Classification: Uncertain significance for Hereditary cancer-predisposing syndrome. Last evaluated: 2025-05-26. Review status: criteria provided, single submitter. Criteria: Ambry Variant Classification Scheme 2023. Collection method: clinical testing. Allele origin: germline.
Comment: The c.1335A>T variant (also known as p.G445G), located in coding exon 8 of the KIT gene, results from an A to T substitution at nucleotide position 1335. This nucleotide substitution does not change the glycine at codon 445. This nucleotide position is well conserved in available vertebrate species. In silico splice site analysis predicts that this alteration will result in the creation or strengthening of a novel splice donor site. Based on the available evidence, the clinical significance of this variant remains unclear.